The following is an entry in ClinVar:

ClinVar aggregate classification (germline): Pathogenic (1 of 4 stars; one submission).

Conditions:
Osteogenesis imperfecta type I (OI1). Also called: OI, TYPE I; OSTEOGENESIS IMPERFECTA TARDA; OSTEOGENESIS IMPERFECTA WITH BLUE SCLERAE; Osteogenesis imperfecta type 1; Lobstein disease; Lobstein's Disease. Identifiers: Orphanet 216796, Orphanet 666, MedGen C0023931, MONDO:0008146, OMIM 166200. Disease mechanism: loss of function.

Submission:

Labcorp Genetics (formerly Invitae), Labcorp
Classification: Pathogenic for Osteogenesis imperfecta type I. Last evaluated: 2024-02-16. Review status: criteria provided, single submitter. Criteria: Invitae Variant Classification Sherloc (09022015). Collection method: clinical testing. Allele origin: germline.
Comment: This sequence change replaces glycine, which is neutral and non-polar, with cysteine, which is neutral and slightly polar, at codon 224 of the COL1A1 protein (p.Gly224Cys). This variant is not present in population databases (gnomAD no frequency). This missense change has been observed in individual(s) with osteogenesis imperfecta (PMID: 1895312). ClinVar contains an entry for this variant (Variation ID: 2138081). Advanced modeling of protein sequence and biophysical properties (such as structural, functional, and spatial information, amino acid conservation, physicochemical variation, residue mobility, and thermodynamic stability) performed at Invitae indicates that this missense variant is expected to disrupt COL1A1 protein function with a positive predictive value of 95%. This variant disrupts the triple helix domain of COL1A1. Glycine residues within the Gly-Xaa-Yaa repeats of the triple helix domain are required for the structure and stability of fibrillar collagens (PMID: 7695699, 8218237, 19344236). In COL1A1, variants affecting these glycine residues are significantly enriched in individuals with disease (PMID: 9016532, 17078022) compared to the general population (ExAC). This variant disrupts the p.Gly224 amino acid residue in COL1A1. Other variant(s) that disrupt this residue have been observed in individuals with COL1A1-related conditions (PMID: 22206639, 29552444; Invitae), which suggests that this may be a clinically significant amino acid residue. For these reasons, this variant has been classified as Pathogenic.

Literature cited by the submitters: PubMed 1895312; PubMed 7695699; PubMed 8218237; PubMed 19344236; PubMed 9016532; PubMed 17078022; PubMed 22206639; PubMed 29552444.

NM_000088.4(COL1A1):c.670G>T (p.Gly224Cys)

Gene: COL1A1 (collagen type I alpha 1 chain; minus strand). Cytogenetic location: 17q21.33.
Variant type: single nucleotide variant.
Coding change: c.670G>T on transcript NM_000088.4 (MANE Select); coding-DNA position 670, G replaced by T.
Protein change: p.Gly224Cys; replaces glycine 224 with cysteine.
Molecular consequence: missense variant.
Genome position (GRCh38, 1-based): chr17:50,197,758, C>A on the plus strand (G>T on the coding strand, the complement: COL1A1 is on the minus strand). VCF-style: chr17-50197758-C-A. GRCh37 (hg19) VCF-style: chr17-48275119-C-A.
Other names: short protein forms G224C.
Identifiers: ClinVar variation 2138081 (VCV002138081.4), dbSNP rs72667038, ClinGen allele CA291547906.